The following is an entry in ClinVar:

ClinVar aggregate classification (germline): Likely benign. Review status: criteria provided, multiple submitters, no conflicts (2 of 4 stars). 3 submissions from 3 submitters: Likely benign (3). Last evaluated 2026-01-11.

Conditions:
Hypophosphatasia. Also called: Phosphoethanol-aminuria. Identifiers: Orphanet 436, MedGen C0020630, MeSH D007014, MONDO:0018570.

Allele frequency attached by ClinVar (database versions not stated): TOPMed 0.00005.
gnomAD v4.1: 65 of 1,599,466 alleles (0.0041%); highest among the groups gnomAD compares: Middle Eastern, 0.082%; no homozygotes.

Submissions (3):

Labcorp Genetics (formerly Invitae), Labcorp
Classification: Likely benign. Last evaluated: 2026-01-11. Review status: criteria provided, single submitter. Criteria: Invitae Variant Classification Sherloc (09022015). Collection method: clinical testing. Allele origin: germline.

GeneDx
Classification: Likely benign. Last evaluated: 2018-08-27. Review status: criteria provided, single submitter. Criteria: GeneDx Variant Classification Process June 2021. Collection method: clinical testing. Allele origin: germline. Affected: yes.

Illumina Laboratory Services, Illumina
Classification: Likely benign for Hypophosphatasia. Last evaluated: 2018-01-12. Review status: criteria provided, single submitter. Criteria: ICSL Variant Classification Criteria 13 December 2019. Collection method: clinical testing. Allele origin: germline.
Comment: This variant was observed in the ICSL laboratory as part of a predisposition screen in an ostensibly healthy population. It had not been previously curated by ICSL or reported in the Human Gene Mutation Database (HGMD: prior to June 1st, 2018), and was therefore a candidate for classification through an automated scoring system. Utilizing variant allele frequency, disease prevalence and penetrance estimates, and inheritance mode, an automated score was calculated to assess if this variant is too frequent to cause the disease. Based on the score and internal cut-off values, a variant classified as likely benign is not then subjected to further curation. The score for this variant resulted in a classification of likely benign for this disease.

NM_000478.6(ALPL):c.1542G>A (p.Ala514=)

Gene: ALPL (alkaline phosphatase, biomineralization associated; plus strand). Cytogenetic location: 1p36.12.
Variant type: single nucleotide variant.
Coding change: c.1542G>A on transcript NM_000478.6 (MANE Select); coding-DNA position 1542, G replaced by A.
Protein change: p.Ala514=; no amino-acid change (alanine 514 retained).
Molecular consequence: synonymous variant.
Genome position (GRCh38, 1-based): chr1:21,577,615, G>A. VCF-style: chr1-21577615-G-A. GRCh37 (hg19) VCF-style: chr1-21904108-G-A.
Other names: c.1377G>A, p.Ala459= (NM_001127501.4); c.1311G>A, p.Ala437= (NM_001177520.3); c.1542G>A, p.Ala514= (NM_001369803.2, NM_001369804.2, NM_001369805.2).
Identifiers: ClinVar variation 295555 (VCV000295555.18), dbSNP rs3200256, ClinGen allele CA666878.